The following is an entry in ClinVar:

ClinVar aggregate classification (germline): Uncertain significance (1 of 4 stars; one submission).

Conditions:
Cardiovascular phenotype. Identifiers: MedGen CN230736.

Submission:

Ambry Genetics
Classification: Uncertain significance for Cardiovascular phenotype. Last evaluated: 2025-07-21. Review status: criteria provided, single submitter. Criteria: Ambry Variant Classification Scheme 2023. Collection method: clinical testing. Allele origin: germline.
Comment: The p.L281V variant (also known as c.841C>G), located in coding exon 1 of the FOXE3 gene, results from a C to G substitution at nucleotide position 841. The leucine at codon 281 is replaced by valine, an amino acid with highly similar properties. This amino acid position is conserved. In addition, this alteration is predicted to be tolerated by in silico analysis. Based on the available evidence, the clinical significance of this variant remains unclear.

NM_012186.3(FOXE3):c.841C>G (p.Leu281Val)

Genes: FOXE3 (forkhead box E3; plus strand), LINC01389 (long intergenic non-protein coding RNA 1389; minus strand). Cytogenetic location: 1p33.
Variant type: single nucleotide variant.
Coding change: c.841C>G on transcript NM_012186.3 (MANE Select); coding-DNA position 841, C replaced by G.
Protein change: p.Leu281Val; replaces leucine 281 with valine.
Molecular consequence: missense variant.
Genome position (GRCh38, 1-based): chr1:47,417,156, C>G. VCF-style: chr1-47417156-C-G. GRCh37 (hg19) VCF-style: chr1-47882828-C-G.
Other names: short protein forms L281V.
Identifiers: ClinVar variation 4259168 (VCV004259168.1).